The following is an entry in ClinVar:

NM_013271.5(PCSK1N):c.313G>A (p.Val105Ile)

Gene: PCSK1N (proprotein convertase subtilisin/kexin type 1 inhibitor; minus strand). Cytogenetic location: Xp11.23.
Variant type: single nucleotide variant.
Coding change: c.313G>A on transcript NM_013271.5 (MANE Select); coding-DNA position 313, G replaced by A.
Protein change: p.Val105Ile; replaces valine 105 with isoleucine.
Molecular consequence: missense variant.
Genome position (GRCh38, 1-based): chrX:48,832,143, C>T on the plus strand (G>A on the coding strand, the complement: PCSK1N is on the minus strand). VCF-style: chrX-48832143-C-T. GRCh37 (hg19) VCF-style: chrX-48690553-C-T.
Other names: short protein forms V105I.
Identifiers: ClinVar variation 4861680 (VCV004861680.1).

ClinVar aggregate classification (germline): Uncertain significance (1 of 4 stars; one submission).

gnomAD v4.1: 1 of 1,135,651 alleles (0.000088%); highest among the groups gnomAD compares: Admixed American, 0.0027%; no homozygotes.

Submission:

Ambry Genetics
Classification: Uncertain significance. Last evaluated: 2026-04-01. Review status: criteria provided, single submitter. Criteria: Ambry Variant Classification Scheme 2023. Collection method: clinical testing. Allele origin: germline.
Comment: The c.313G>A (p.V105I) alteration is located in exon 2 (coding exon 2) of the PCSK1N gene. This alteration results from a G to A substitution at nucleotide position 313, causing the valine (V) at amino acid position 105 to be replaced by an isoleucine (I). Based on data from gnomAD, the A allele has an overall frequency of 0.001% (1/70693) total alleles studied. The highest observed frequency was 0.006% (1/16259) of Latino alleles. Based on insufficient or conflicting evidence, the clinical significance of this alteration remains unclear.